The following is an entry in ClinVar:

ClinVar aggregate classification (germline): Uncertain significance. Review status: criteria provided, multiple submitters, no conflicts (2 of 4 stars). 2 submissions from 2 submitters: Uncertain significance (2). Last evaluated 2023-12-15.

Conditions:
Hereditary cancer-predisposing syndrome. Also called: Hereditary Cancer Syndrome; Hereditary neoplastic syndrome; Neoplastic Syndromes, Hereditary; Tumor predisposition. Identifiers: Orphanet 140162, MedGen C0027672, MeSH D009386, MONDO:0015356.
Oligodontia-cancer predisposition syndrome. Also called: TOOTH AGENESIS-COLORECTAL CANCER SYNDROME. Identifiers: Orphanet 300576, MedGen C1837750, MONDO:0012075, OMIM 608615. Disease mechanism: loss of function.

Submissions (2):

Labcorp Genetics (formerly Invitae), Labcorp
Classification: Uncertain significance for Oligodontia-cancer predisposition syndrome. Last evaluated: 2023-12-15. Review status: criteria provided, single submitter. Criteria: Invitae Variant Classification Sherloc (09022015). Collection method: clinical testing. Allele origin: germline.
Comment: This sequence change replaces threonine, which is neutral and polar, with lysine, which is basic and polar, at codon 693 of the AXIN2 protein (p.Thr693Lys). This variant is not present in population databases (gnomAD no frequency). This variant has not been reported in the literature in individuals affected with AXIN2-related conditions. ClinVar contains an entry for this variant (Variation ID: 2301601). Advanced modeling of protein sequence and biophysical properties (such as structural, functional, and spatial information, amino acid conservation, physicochemical variation, residue mobility, and thermodynamic stability) performed at Invitae indicates that this missense variant is expected to disrupt AXIN2 protein function with a positive predictive value of 80%. In summary, the available evidence is currently insufficient to determine the role of this variant in disease. Therefore, it has been classified as a Variant of Uncertain Significance.

Ambry Genetics
Classification: Uncertain significance for Hereditary cancer-predisposing syndrome. Last evaluated: 2022-07-13. Review status: criteria provided, single submitter. Criteria: Ambry Variant Classification Scheme 2023. Collection method: clinical testing. Allele origin: germline.

NM_004655.4(AXIN2):c.2078C>A (p.Thr693Lys)

Gene: AXIN2 (axin 2; minus strand). Cytogenetic location: 17q24.1.
Variant type: single nucleotide variant.
Coding change: c.2078C>A on transcript NM_004655.4 (MANE Select); coding-DNA position 2078, C replaced by A.
Protein change: p.Thr693Lys; replaces threonine 693 with lysine.
Molecular consequence: missense variant.
Genome position (GRCh38, 1-based): chr17:65,536,383, G>T on the plus strand (C>A on the coding strand, the complement: AXIN2 is on the minus strand). VCF-style: chr17-65536383-G-T. GRCh37 (hg19) VCF-style: chr17-63532501-G-T.
Other names: c.1883C>A, p.Thr628Lys (NM_001363813.1); short protein forms T628K, T693K.
Identifiers: ClinVar variation 2301601 (VCV002301601.5), dbSNP rs755519590, ClinGen allele CA400676030.
Genomic context (GRCh38, chr17:65,536,383, plus strand): 5'-TGCTTTGGGGGCTTCGACACCTCAGCTAGCCTGCGACAGGCCTCCTCCAGCTGAGCCAGC[G>T]TGTTGGGTGGGGTCAGGGGAGGCATCGCAGGGTCCTGGGTGAACAGGTGGGCACGGGGGG-3'
Protein context (NP_004646.3, residues 683-703): PAMPPLTPPN[Thr693Lys]LAQLEEACRR